The following is an entry in ClinVar:

ClinVar aggregate classification (germline): Uncertain significance (1 of 4 stars; one submission).

Submission:

GeneDx
Classification: Uncertain significance. Last evaluated: 2023-03-17. Review status: criteria provided, single submitter. Criteria: GeneDx Variant Classification Process June 2021. Collection method: clinical testing. Allele origin: germline. Affected: yes.
Comment: Not observed at significant frequency in large population cohorts (gnomAD); In silico analysis supports that this missense variant has a deleterious effect on protein structure/function; Has not been previously published as pathogenic or benign to our knowledge

NM_020937.4(FANCM):c.1991C>T (p.Ser664Phe)

Gene: FANCM (FA complementation group M; plus strand). Cytogenetic location: 14q21.2.
Variant type: single nucleotide variant.
Coding change: c.1991C>T on transcript NM_020937.4 (MANE Select); coding-DNA position 1991, C replaced by T.
Protein change: p.Ser664Phe; replaces serine 664 with phenylalanine.
Molecular consequence: missense variant.
Genome position (GRCh38, 1-based): chr14:45,167,152, C>T. VCF-style: chr14-45167152-C-T. GRCh37 (hg19) VCF-style: chr14-45636355-C-T.
Other names: c.1913C>T, p.Ser638Phe (NM_001308133.2); c.1991C>T, p.Ser664Phe (NM_001308134.2); short protein forms S638F, S664F.
Identifiers: ClinVar variation 2580090 (VCV002580090.1), dbSNP rs2503151373, ClinGen allele CA389595211.